The following is an entry in ClinVar:

ClinVar aggregate classification (germline): Uncertain significance (1 of 4 stars; one submission).

gnomAD v4.1: 2 of 1,540,968 alleles (0.00013%); highest among the groups gnomAD compares: Non-Finnish European, 0.00017%; no homozygotes.

Submission:

GeneDx
Classification: Uncertain significance. Last evaluated: 2024-08-15. Review status: criteria provided, single submitter. Criteria: GeneDx Variant Classification Process June 2021. Collection method: clinical testing. Allele origin: germline. Affected: yes.
Comment: Not observed at significant frequency in large population cohorts (gnomAD); In silico analysis indicates that this missense variant does not alter protein structure/function; Has not been previously published as pathogenic or benign to our knowledge

NM_004733.4(SLC33A1):c.74T>G (p.Met25Arg)

Gene: SLC33A1 (solute carrier family 33 member 1; minus strand). Cytogenetic location: 3q25.31.
Variant type: single nucleotide variant.
Coding change: c.74T>G on transcript NM_004733.4 (MANE Select); coding-DNA position 74, T replaced by G.
Protein change: p.Met25Arg; replaces methionine 25 with arginine.
Molecular consequence: missense variant.
Genome position (GRCh38, 1-based): chr3:155,853,924, A>C on the plus strand (T>G on the coding strand, the complement: SLC33A1 is on the minus strand). VCF-style: chr3-155853924-A-C. GRCh37 (hg19) VCF-style: chr3-155571713-A-C.
Other names: c.74T>G, p.Met25Arg (NM_001190992.2, NM_001363883.1); short protein forms M25R.
Identifiers: ClinVar variation 3731064 (VCV003731064.1).